The following is an entry in ClinVar:

NM_006031.6(PCNT):c.721-5C>T

Gene: PCNT (pericentrin; plus strand). Cytogenetic location: 21q22.3.
Variant type: single nucleotide variant.
Coding change: c.721-5C>T on transcript NM_006031.6 (MANE Select); 5 bases into the intron before coding-DNA position 721, C replaced by T.
Molecular consequence: intron variant.
Genome position (GRCh38, 1-based): chr21:46,346,738, C>T. VCF-style: chr21-46346738-C-T. GRCh37 (hg19) VCF-style: chr21-47766652-C-T.
Other names: c.367-5C>T (NM_001315529.2).
Identifiers: ClinVar variation 340463 (VCV000340463.15), dbSNP rs144683591, ClinGen allele CA10078396.

ClinVar aggregate classification (germline): Conflicting classifications of pathogenicity. Review status: criteria provided, conflicting classifications (1 of 4 stars). 5 submissions from 5 submitters: Uncertain significance (1); Likely benign (3). 1 of the submissions does not count toward it. Last evaluated 2026-01-24.

Conditions:
PCNT-related disorder. Also called: PCNT-related condition.
Microcephalic osteodysplastic primordial dwarfism type II (MOPD2). Also called: Microcephalic osteodysplastic primordial dwarfism with tooth abnormalities; MOPD II; OSTEODYSPLASTIC PRIMORDIAL DWARFISM, TYPE II. Identifiers: Orphanet 2637, MedGen C0432246, MONDO:0008872, OMIM 210720.

Allele frequency attached by ClinVar (database versions not stated): gnomAD exomes 0.00005 and 0.00010; gnomAD 0.00007 and 0.00008; TOPMed 0.00007; ExAC 0.00021; ESP Exome Variant Server 0.00023; 1000 Genomes Project 30x 0.00031; 1000 Genomes Project 0.00040.
gnomAD v4.1: 88 of 1,594,778 alleles (0.0055%); highest among the groups gnomAD compares: Non-Finnish European, 0.0057%; no homozygotes.

Submissions (5):

Labcorp Genetics (formerly Invitae), Labcorp
Classification: Likely benign. Last evaluated: 2026-01-24. Review status: criteria provided, single submitter. Criteria: Invitae Variant Classification Sherloc (09022015). Collection method: clinical testing. Allele origin: germline.

Blueprint Genetics
Classification: Likely benign. Last evaluated: 2024-06-12. Review status: criteria provided, single submitter. Criteria: ACMG Guidelines, 2015. Collection method: clinical testing. Allele origin: germline.

Genetic Services Laboratory, University of Chicago
Classification: Likely benign. Last evaluated: 2019-08-05. Review status: criteria provided, single submitter. Criteria: ACMG Guidelines, 2015. Collection method: clinical testing. Allele origin: germline. Affected: no.

Illumina Laboratory Services, Illumina
Classification: Uncertain significance for Microcephalic osteodysplastic primordial dwarfism type II. Last evaluated: 2018-01-12. Review status: criteria provided, single submitter. Criteria: ICSL Variant Classification Criteria 13 December 2019. Collection method: clinical testing. Allele origin: germline.

PreventionGenetics, part of Exact Sciences
Classification: Likely benign for PCNT-related condition. Last evaluated: 2021-11-19. Review status: no assertion criteria provided. Collection method: clinical testing. Allele origin: germline. Not counted in ClinVar's aggregate classification.
Comment: This variant is classified as likely benign based on ACMG/AMP sequence variant interpretation guidelines (Richards et al. 2015 PMID: 25741868, with internal and published modifications).